The following is an entry in ClinVar:

NM_006946.4(SPTBN2):c.4980A>G (p.Pro1660=)

Gene: SPTBN2 (spectrin beta, non-erythrocytic 2; minus strand). Cytogenetic location: 11q13.2.
Variant type: single nucleotide variant.
Coding change: c.4980A>G on transcript NM_006946.4 (MANE Select); coding-DNA position 4980, A replaced by G.
Protein change: p.Pro1660=; no amino-acid change (proline 1660 retained).
Molecular consequence: synonymous variant.
Genome position (GRCh38, 1-based): chr11:66,692,975, T>C on the plus strand (A>G on the coding strand, the complement: SPTBN2 is on the minus strand). VCF-style: chr11-66692975-T-C. GRCh37 (hg19) VCF-style: chr11-66460446-T-C.
Other names: c.5001A>G, p.Pro1667= (NM_001411025.1).
Identifiers: ClinVar variation 3571730 (VCV003571730.1).

ClinVar aggregate classification (germline): Uncertain significance (1 of 4 stars; one submission).

gnomAD v4.1: 2 of 1,605,450 alleles (0.00012%); highest among the groups gnomAD compares: Middle Eastern, 0.019%; no homozygotes.

Submission:

Athena Diagnostics
Classification: Uncertain significance. Last evaluated: 2023-10-20. Review status: criteria provided, single submitter. Criteria: Athena Diagnostics Criteria. Collection method: clinical testing. Allele origin: unknown.
Comment: Available data are insufficient to determine the clinical significance of the variant at this time. This variant has not been reported in large, multi-ethnic general populations. Computational tools yielded predictions that this variant is unlikely to have an effect on normal RNA splicing.